The following is an entry in ClinVar:

NM_152384.3(BBS5):c.753T>A (p.Asn251Lys)

Gene: BBS5 (Bardet-Biedl syndrome 5; plus strand). Cytogenetic location: 2q31.1.
Variant type: single nucleotide variant.
Coding change: c.753T>A on transcript NM_152384.3 (MANE Select); coding-DNA position 753, T replaced by A.
Protein change: p.Asn251Lys; replaces asparagine 251 with lysine.
Molecular consequence: missense variant.
Genome position (GRCh38, 1-based): chr2:169,499,557, T>A. VCF-style: chr2-169499557-T-A. GRCh37 (hg19) VCF-style: chr2-170356067-T-A.
Other names: short protein forms N251K.
Identifiers: ClinVar variation 451134 (VCV000451134.4), dbSNP rs1553528830, ClinGen allele CA349167293.

ClinVar aggregate classification (germline): Uncertain significance (1 of 4 stars; one submission).

Submission:

GeneDx
Classification: Uncertain significance. Last evaluated: 2019-05-09. Review status: criteria provided, single submitter. Criteria: GeneDx Variant Classification Process June 2021. Collection method: clinical testing. Allele origin: germline. Affected: yes.
Comment: Not observed in large population cohorts (Lek et al., 2016); In silico analysis, which includes protein predictors and evolutionary conservation, supports that this variant does not alter protein structure/function